The following is an entry in ClinVar:

ClinVar aggregate classification (germline): Pathogenic (1 of 4 stars; one submission).

Submission:

Mayo Clinic Laboratories, Mayo Clinic
Classification: Pathogenic. Last evaluated: 2020-01-29. Review status: criteria provided, single submitter. Criteria: ACMG Guidelines, 2015. Collection method: clinical testing. Allele origin: germline. Observed: 12 variant alleles.
Comment: A whole gene duplication of the PMP22 gene.

Single allele

Gene: PMP22 (peripheral myelin protein 22; minus strand). Cytogenetic location: 17p12.
Variant type: Duplication.
Identifiers: ClinVar variation 1120168 (VCV001120168.5).